The following is an entry in ClinVar:

ClinVar aggregate classification (germline): Pathogenic (1 of 4 stars; one submission).

Conditions:
3-Methylglutaconic aciduria type 2 (BTHS). Also called: CARDIOSKELETAL MYOPATHY WITH NEUTROPENIA AND ABNORMAL MITOCHONDRIA; Barth syndrome. Identifiers: Orphanet 111, MedGen C0574083, MONDO:0010543, OMIM 302060.

Submission:

Labcorp Genetics (formerly Invitae), Labcorp
Classification: Pathogenic for 3-Methylglutaconic aciduria type 2. Last evaluated: 2025-05-19. Review status: criteria provided, single submitter. Criteria: Invitae Variant Classification Sherloc (09022015). Collection method: clinical testing. Allele origin: germline.
Comment: This sequence change creates a premature translational stop signal (p.Thr43Profs*40) in the TAZ gene. It is expected to result in an absent or disrupted protein product. Loss-of-function variants in TAZ are known to be pathogenic (PMID: 16427346, 22382802, 23409742). This variant is not present in population databases (gnomAD no frequency). This variant has not been reported in the literature in individuals affected with TAZ-related conditions. For these reasons, this variant has been classified as Pathogenic.

Literature cited by the submitters: PubMed 16427346; PubMed 22382802; PubMed 23409742.

NM_000116.5(TAFAZZIN):c.126del (p.Thr43fs)

Gene: TAFAZZIN (tafazzin, phospholipid-lysophospholipid transacylase; plus strand). Cytogenetic location: Xq28.
Variant type: Deletion.
Coding change: c.126del on transcript NM_000116.5 (MANE Select); coding-DNA position 126, one base deleted (G; older notation c.126delG).
Protein change: p.Thr43fs; shifts the reading frame from threonine 43.
Molecular consequence: frameshift variant. On other transcripts: non-coding transcript variant (1).
Genome position (GRCh38, 1-based): chrX:154,412,102, G deleted. VCF-style (leftmost placement, unchanged base first): chrX-154412101-TG-T. GRCh37 (hg19) VCF-style: chrX-153640438-TG-T.
Other names: c.180del, p.Thr61fs (NM_001303465.2, NM_001410698.1, NM_001440856.1 and 1 more transcripts); c.126del, p.Thr43fs (NM_001440858.1, NM_181311.4, NM_181312.4 and 1 more transcripts); short protein forms T43fs, T61fs.
Identifiers: ClinVar variation 4714487 (VCV004714487.1).